The following is an entry in ClinVar:

ClinVar aggregate classification (germline): Pathogenic. Review status: criteria provided, multiple submitters, no conflicts (2 of 4 stars). 3 submissions from 3 submitters: Pathogenic (3). Last evaluated 2024-02-02.

Conditions:
Joubert syndrome 21 (JBTS21). Identifiers: MedGen C3810212, MONDO:0014288, OMIM 615636.

Allele frequency attached by ClinVar (database versions not stated): TOPMed below 0.00001; gnomAD exomes 0.00001 and 0.00002; ExAC 0.00002.

Submissions (3):

Labcorp Genetics (formerly Invitae), Labcorp
Classification: Pathogenic for Joubert syndrome 21. Last evaluated: 2024-02-02. Review status: criteria provided, single submitter. Criteria: Invitae Variant Classification Sherloc (09022015). Collection method: clinical testing. Allele origin: germline.
Comment: This sequence change creates a premature translational stop signal (p.Arg754*) in the CSPP1 gene. It is expected to result in an absent or disrupted protein product. Loss-of-function variants in CSPP1 are known to be pathogenic (PMID: 24360807, 24360808). This variant is present in population databases (rs771203308, gnomAD 0.006%). This premature translational stop signal has been observed in individual(s) with Joubert syndrome (PMID: 24360807). ClinVar contains an entry for this variant (Variation ID: 217648). For these reasons, this variant has been classified as Pathogenic.

3billion
Classification: Pathogenic for Joubert syndrome 21. Last evaluated: 2021-10-02. Review status: criteria provided, single submitter. Criteria: ACMG Guidelines, 2015. Collection method: clinical testing. Allele origin: paternal. Affected: yes. Observed: 1 heterozygote.
Comment: Stop-gained (nonsense): predicted to result in a loss or disruption of normal protein function through nonsense-mediated decay (NMD) or protein truncation. Multiple pathogenic variants are reported downstream of the variant (PVS1_VS). It is observed at an extremely low frequency in the gnomAD v2.1.1 dataset (total allele frequency: 0.0000161, PM2). The variant was observed in trans with a pathogenic variant (NM_001291339.1: c.331C>T) as compound heterozygous (3billion dataset, PM3). The variant has been reported as pathogenic/likely pathogenic without evidence for the classification (ClinVar VCV000217648.1). Therefore, this variant is classified as pathogenic according to the recommendation of ACMG/AMP guideline.

UW Hindbrain Malformation Research Program, University of Washington
Classification: Pathogenic for Joubert syndrome 21. Last evaluated: 2015-02-23. Review status: criteria provided, single submitter. Criteria: Bachmann-Gagescu et al. (J Med Genet. 2015). Collection method: research. Allele origin: unknown. Affected: yes.

Literature cited by the submitters: PubMed 24360807 (cited by Labcorp Genetics (formerly Invitae), Labcorp); PubMed 24360808 (cited by Labcorp Genetics (formerly Invitae), Labcorp).

NM_001382391.1(CSPP1):c.2275C>T (p.Arg759Ter)

Gene: CSPP1 (centrosome and spindle pole associated protein 1; plus strand). Cytogenetic location: 8q13.2.
Variant type: single nucleotide variant.
Coding change: c.2275C>T on transcript NM_001382391.1 (MANE Select); coding-DNA position 2275, C replaced by T.
Protein change: p.Arg759Ter; replaces arginine 759 with a stop codon.
Molecular consequence: nonsense.
Genome position (GRCh38, 1-based): chr8:67,158,480, C>T. VCF-style: chr8-67158480-C-T. GRCh37 (hg19) VCF-style: chr8-68070715-C-T.
Other names: c.1225C>T, p.Arg409Ter (NM_001291339.2); c.2194C>T, p.Arg732Ter (NM_001363131.2); c.2080C>T, p.Arg694Ter (NM_001363132.2); c.1999C>T, p.Arg667Ter (NM_001363133.2); c.2341C>T, p.Arg781Ter (NM_001364869.1); c.2161C>T, p.Arg721Ter (NM_001364870.1); c.2260C>T, p.Arg754Ter (NM_024790.7); c.1225C>T (NM_001291339.1); short protein forms R754*, R694*, R781*, R409*, R667*, R721*, R732*, R759*.
Identifiers: ClinVar variation 217648 (VCV000217648.4), dbSNP rs771203308, ClinGen allele CA210345.
Genomic context (GRCh38, chr8:67,158,480, plus strand): 5'-GATAAATAACTAAGTTTAATTCTTTAGATTGAGGAAAAGAAACAAAGAGAGGAAGCAGAG[C>T]GAGAGAGACTGAGAATTGCAGAAGAAAAAGAAGAAAGACGGCTTGCAGAACAGAGGGCAC-3'